The following is an entry in ClinVar:

ClinVar aggregate classification (germline): Uncertain significance (1 of 4 stars; one submission).

Submission:

Ambry Genetics
Classification: Uncertain significance. Last evaluated: 2023-09-29. Review status: criteria provided, single submitter. Criteria: Ambry Variant Classification Scheme 2023. Collection method: clinical testing. Allele origin: germline.
Comment: The p.D228A variant (also known as c.683A>C), located in coding exon 3 of the GALNT12 gene, results from an A to C substitution at nucleotide position 683. The aspartic acid at codon 228 is replaced by alanine, an amino acid with dissimilar properties. This amino acid position is highly conserved in available vertebrate species. In addition, this alteration is predicted to be deleterious by in silico analysis. Since supporting evidence is limited at this time, the clinical significance of this alteration remains unclear.

NM_024642.5(GALNT12):c.683A>C (p.Asp228Ala)

Gene: GALNT12 (polypeptide N-acetylgalactosaminyltransferase 12; plus strand). Cytogenetic location: 9q22.33.
Variant type: single nucleotide variant.
Coding change: c.683A>C on transcript NM_024642.5 (MANE Select); coding-DNA position 683, A replaced by C.
Protein change: p.Asp228Ala; replaces aspartic acid 228 with alanine.
Molecular consequence: missense variant.
Genome position (GRCh38, 1-based): chr9:98,826,893, A>C. VCF-style: chr9-98826893-A-C. GRCh37 (hg19) VCF-style: chr9-101589175-A-C.
Other names: short protein forms D228A.
Identifiers: ClinVar variation 1755722 (VCV001755722.2), dbSNP rs1835870637, ClinGen allele CA374217699.